The following is an entry in ClinVar:

ClinVar aggregate classification (germline): Conflicting classifications of pathogenicity. Review status: criteria provided, conflicting classifications (1 of 4 stars). 2 submissions from 2 submitters: Uncertain significance (1); Likely benign (1). Last evaluated 2026-03-17.

Conditions:
Cardiovascular phenotype. Identifiers: MedGen CN230736.

Allele frequency attached by ClinVar (database versions not stated): gnomAD exomes below 0.00001; gnomAD 0.00003; TOPMed 0.00004.
gnomAD v4.1: 5 of 1,613,988 alleles (0.00031%); highest among the groups gnomAD compares: African/African-American, 0.0053%; no homozygotes.

Submissions (2):

Ambry Genetics
Classification: Likely benign for Cardiovascular phenotype. Last evaluated: 2026-03-17. Review status: criteria provided, single submitter. Criteria: Ambry Variant Classification Scheme 2023. Collection method: clinical testing. Allele origin: germline.

Labcorp Genetics (formerly Invitae), Labcorp
Classification: Uncertain significance. Last evaluated: 2025-06-13. Review status: criteria provided, single submitter. Criteria: Invitae Variant Classification Sherloc (09022015). Collection method: clinical testing. Allele origin: germline.
Comment: This sequence change replaces methionine, which is neutral and non-polar, with isoleucine, which is neutral and non-polar, at codon 864 of the ALPK3 protein (p.Met864Ile). This variant is present in population databases (no rsID available, gnomAD 0.02%). This variant has not been reported in the literature in individuals affected with ALPK3-related conditions. ClinVar contains an entry for this variant (Variation ID: 1943844). Invitae Evidence Modeling of protein sequence and biophysical properties (such as structural, functional, and spatial information, amino acid conservation, physicochemical variation, residue mobility, and thermodynamic stability) indicates that this missense variant is not expected to disrupt ALPK3 protein function with a negative predictive value of 80%. In summary, the available evidence is currently insufficient to determine the role of this variant in disease. Therefore, it has been classified as a Variant of Uncertain Significance.

NM_020778.5(ALPK3):c.1986G>A (p.Met662Ile)

Gene: ALPK3 (alpha kinase 3; plus strand). Cytogenetic location: 15q25.3.
Variant type: single nucleotide variant.
Coding change: c.1986G>A on transcript NM_020778.5 (MANE Select); coding-DNA position 1986, G replaced by A.
Protein change: p.Met662Ile; replaces methionine 662 with isoleucine.
Molecular consequence: missense variant.
Genome position (GRCh38, 1-based): chr15:84,856,724, G>A. VCF-style: chr15-84856724-G-A. GRCh37 (hg19) VCF-style: chr15-85399955-G-A.
Other names: c.2592G>A (NM_020778.4); short protein forms M662I.
Identifiers: ClinVar variation 1943844 (VCV001943844.6), dbSNP rs1012520978, ClinGen allele CA273623855.